The following is an entry in ClinVar:

NM_033026.6(PCLO):c.5410A>C (p.Ser1804Arg)

Gene: PCLO (piccolo presynaptic cytomatrix protein; minus strand). Cytogenetic location: 7q21.11.
Variant type: single nucleotide variant.
Coding change: c.5410A>C on transcript NM_033026.6 (MANE Select); coding-DNA position 5410, A replaced by C.
Protein change: p.Ser1804Arg; replaces serine 1804 with arginine.
Molecular consequence: missense variant.
Genome position (GRCh38, 1-based): chr7:82,955,543, T>G on the plus strand (A>C on the coding strand, the complement: PCLO is on the minus strand). VCF-style: chr7-82955543-T-G. GRCh37 (hg19) VCF-style: chr7-82584859-T-G.
Other names: c.5410A>C, p.Ser1804Arg (NM_014510.3); short protein forms S1804R.
Identifiers: ClinVar variation 1509098 (VCV001509098.5), dbSNP rs370309953, ClinGen allele CA4320653.
Genomic context (GRCh38, chr7:82,955,543, plus strand): 5'-TTGGCCTTTCCCTTCTTCTCTGAGCTCGAAGTTCATCTTTGTCTTTCTTTGATTTTTTAC[T>G]AGAACTCTTTCTTTGTTGCTGTTCTATTTCCCTCTGCTTTTCTTGCTCCTTTAATAATTC-3'
Protein context (NP_149015.2, residues 1794-1814): EIEQQQRKSS[Ser1804Arg]KKSKKDKDEL

ClinVar aggregate classification (germline): Uncertain significance (1 of 4 stars; one submission).

Allele frequency attached by ClinVar (database versions not stated): TOPMed below 0.00001; ExAC 0.00001; gnomAD exomes 0.00001; ESP Exome Variant Server 0.00008.
gnomAD v4.1: 1 of 1,614,004 alleles (0.000062%); highest among the groups gnomAD compares: Non-Finnish European, 0.000085%; no homozygotes.

Submission:

Labcorp Genetics (formerly Invitae), Labcorp
Classification: Uncertain significance. Last evaluated: 2021-09-24. Review status: criteria provided, single submitter. Criteria: Invitae Variant Classification Sherloc (09022015). Collection method: clinical testing. Allele origin: germline.
Comment: This sequence change replaces serine with arginine at codon 1804 of the PCLO protein (p.Ser1804Arg). The serine residue is moderately conserved and there is a moderate physicochemical difference between serine and arginine. This variant is present in population databases (rs370309953, ExAC 0.001%). This variant has not been reported in the literature in individuals with PCLO-related conditions. Algorithms developed to predict the effect of missense changes on protein structure and function are either unavailable or do not agree on the potential impact of this missense change (SIFT: "Deleterious"; PolyPhen-2: "Not Available"; Align-GVGD: "Class C0"). In summary, the available evidence is currently insufficient to determine the role of this variant in disease. Therefore, it has been classified as a Variant of Uncertain Significance.